The following is an entry in ClinVar:

ClinVar aggregate classification (germline): Pathogenic (1 of 4 stars; one submission).

Conditions:
Hereditary cancer-predisposing syndrome. Also called: Neoplastic Syndromes, Hereditary; Tumor predisposition; Hereditary Cancer Syndrome; Hereditary neoplastic syndrome. Identifiers: Orphanet 140162, MedGen C0027672, MeSH D009386, MONDO:0015356.

Submission:

Ambry Genetics
Classification: Pathogenic for Hereditary cancer-predisposing syndrome. Last evaluated: 2025-12-09. Review status: criteria provided, single submitter. Criteria: Ambry Variant Classification Scheme 2023. Collection method: clinical testing. Allele origin: germline.
Comment: The p.K291* pathogenic mutation (also known as c.871A>T), located in coding exon 6 of the DICER1 gene, results from an A to T substitution at nucleotide position 871. This changes the amino acid from a lysine to a stop codon within coding exon 6. This variant is considered to be rare based on population cohorts in the Genome Aggregation Database (gnomAD). This alteration is expected to result in loss of function by premature protein truncation or nonsense-mediated mRNA decay. As such, this alteration is interpreted as a disease-causing mutation.

NM_177438.3(DICER1):c.871A>T (p.Lys291Ter)

Gene: DICER1 (dicer 1, ribonuclease III; minus strand). Cytogenetic location: 14q32.13.
Variant type: single nucleotide variant.
Coding change: c.871A>T on transcript NM_177438.3 (MANE Select); coding-DNA position 871, A replaced by T.
Protein change: p.Lys291Ter; replaces lysine 291 with a stop codon.
Molecular consequence: nonsense. On other transcripts: 5 prime UTR variant (1), non-coding transcript variant (6).
Genome position (GRCh38, 1-based): chr14:95,126,612, T>A on the plus strand (A>T on the coding strand, the complement: DICER1 is on the minus strand). VCF-style: chr14-95126612-T-A. GRCh37 (hg19) VCF-style: chr14-95592949-T-A.
Other names: c.871A>T, p.Lys291Ter (NM_001195573.1, NM_001271282.3, NM_001291628.2 and 14 more transcripts); c.589A>T, p.Lys197Ter (NM_001395686.1); c.466A>T, p.Lys156Ter (NM_001395687.1, NM_001395688.1, NM_001395689.1 and 3 more transcripts); c.304A>T, p.Lys102Ter (NM_001395691.1); c.-698A>T (NM_001395697.1); short protein forms K197*, K291*, K102*, K156*.
Identifiers: ClinVar variation 4637769 (VCV004637769.1).